The following is an entry in ClinVar:

ClinVar aggregate classification (germline): Likely pathogenic (1 of 4 stars; one submission).

Conditions:
Complex neurodevelopmental disorder. Identifiers: Orphanet 528084, MedGen C5568766, MONDO:0100038.

Submission:

CeGaT Center for Human Genetics Tuebingen
Classification: Likely pathogenic. Last evaluated: 2024-05-01. Review status: criteria provided, single submitter. Criteria: CeGaT Center For Human Genetics Tuebingen Variant Classification Criteria Version 2. Collection method: clinical testing. Allele origin: germline. Affected: yes. Observed: 1 variant allele.
Comment: GRIN2B: PM2, PS2:Moderate, PVS1:Moderate

NM_000834.5(GRIN2B):c.4244del (p.Ala1414_Ser1415insTer)

Gene: GRIN2B (glutamate ionotropic receptor NMDA type subunit 2B; minus strand). Cytogenetic location: 12p13.1.
Variant type: Deletion.
Coding change: c.4244del on transcript NM_000834.5 (MANE Select); coding-DNA position 4244, one base deleted (C; older notation c.4244delC).
Protein change: p.Ala1414_Ser1415insTer.
Molecular consequence: nonsense.
Genome position (GRCh38, 1-based): chr12:13,562,994, G deleted on the plus strand (C on the coding strand, the reverse complement: GRIN2B is on the minus strand). VCF-style (leftmost placement, unchanged base first): chr12-13562993-CG-C. GRCh37 (hg19) VCF-style: chr12-13715927-CG-C.
Other names: c.4244delC (NM_000834.5).
Identifiers: ClinVar variation 984887 (VCV000984887.21), dbSNP rs1948569124, ClinGen allele CA1139662519.